The following is an entry in ClinVar:

NM_004360.5(CDH1):c.1333G>C (p.Glu445Gln)

Gene: CDH1 (cadherin 1; plus strand). Cytogenetic location: 16q22.1.
Variant type: single nucleotide variant.
Coding change: c.1333G>C on transcript NM_004360.5 (MANE Select); coding-DNA position 1333, G replaced by C.
Protein change: p.Glu445Gln; replaces glutamic acid 445 with glutamine.
Molecular consequence: missense variant. On other transcripts: 5 prime UTR variant (2).
Genome position (GRCh38, 1-based): chr16:68,815,527, G>C. VCF-style: chr16-68815527-G-C. GRCh37 (hg19) VCF-style: chr16-68849430-G-C.
Other names: c.1333G>C (LRG_301t1); c.1150G>C, p.Glu384Gln (NM_001317184.2); c.-216G>C (NM_001317185.2); c.-487G>C (NM_001317186.2); short protein forms E445Q, E384Q.
Identifiers: ClinVar variation 219628 (VCV000219628.13), dbSNP rs864622184, ClinGen allele CA349614.

ClinVar aggregate classification (germline): Uncertain significance. Review status: criteria provided, multiple submitters, no conflicts (2 of 4 stars). 2 submissions from 2 submitters: Uncertain significance (2). Last evaluated 2025-05-01.

Conditions:
Hereditary cancer-predisposing syndrome. Also called: Tumor predisposition; Hereditary neoplastic syndrome; Neoplastic Syndromes, Hereditary; Hereditary Cancer Syndrome. Identifiers: Orphanet 140162, MedGen C0027672, MeSH D009386, MONDO:0015356.
Hereditary diffuse gastric adenocarcinoma (HDGC). Also called: DIFFUSE GASTRIC AND LOBULAR BREAST CANCER SYNDROME. Identifiers: Orphanet 26106, MedGen C1708349, MONDO:0007648, OMIM 137215.

Allele frequency attached by ClinVar (database versions not stated): gnomAD exomes below 0.00001.
gnomAD v4.1: 2 of 1,614,184 alleles (0.00012%); highest among the groups gnomAD compares: Non-Finnish European, 0.00017%; no homozygotes.

Submissions (2):

Labcorp Genetics (formerly Invitae), Labcorp
Classification: Uncertain significance for Hereditary diffuse gastric adenocarcinoma. Last evaluated: 2025-05-01. Review status: criteria provided, single submitter. Criteria: Invitae Variant Classification Sherloc (09022015). Collection method: clinical testing. Allele origin: germline.
Comment: This sequence change replaces glutamic acid, which is acidic and polar, with glutamine, which is neutral and polar, at codon 445 of the CDH1 protein (p.Glu445Gln). This variant is not present in population databases (gnomAD no frequency). This variant has not been reported in the literature in individuals affected with CDH1-related conditions. ClinVar contains an entry for this variant (Variation ID: 219628). An algorithm developed to predict the effect of missense changes on protein structure and function (PolyPhen-2) suggests that this variant is likely to be disruptive. In summary, the available evidence is currently insufficient to determine the role of this variant in disease. Therefore, it has been classified as a Variant of Uncertain Significance.

Ambry Genetics
Classification: Uncertain significance for Hereditary cancer-predisposing syndrome. Last evaluated: 2021-09-27. Review status: criteria provided, single submitter. Criteria: Ambry Variant Classification Scheme 2023. Collection method: clinical testing. Allele origin: germline.
Comment: The p.E445Q variant (also known as c.1333G>C), located in coding exon 10 of the CDH1 gene, results from a G to C substitution at nucleotide position 1333. The glutamic acid at codon 445 is replaced by glutamine, an amino acid with highly similar properties. This amino acid position is highly conserved in available vertebrate species. In addition, this alteration is predicted to be deleterious by in silico analysis. Since supporting evidence is limited at this time, the clinical significance of this alteration remains unclear.